The following is an entry in ClinVar:

NM_002150.3(HPD):c.97A>G (p.Thr33Ala)

Genes: HPD (4-hydroxyphenylpyruvate dioxygenase; minus strand), TIALD (transcript inducer of AURKA lysosomal degradation; plus strand). Cytogenetic location: 12q24.31.
Variant type: single nucleotide variant.
Coding change: c.97A>G on transcript NM_002150.3 (MANE Select); coding-DNA position 97, A replaced by G.
Protein change: p.Thr33Ala; replaces threonine 33 with alanine.
Molecular consequence: missense variant. On other transcripts: 5 prime UTR variant (1).
Genome position (GRCh38, 1-based): chr12:121,857,429, T>C on the plus strand (A>G on the coding strand, the complement: HPD is on the minus strand). VCF-style: chr12-121857429-T-C. GRCh37 (hg19) VCF-style: chr12-122295335-T-C.
Other names: p.Thr33Ala; c.97G>G (NM_002150.2); c.-21A>G (NM_001171993.2); short protein forms T33A.
Identifiers: ClinVar variation 802899 (VCV000802899.17), dbSNP rs1154510, ClinGen allele CA6839814.

ClinVar aggregate classification (germline): Benign. Review status: criteria provided, multiple submitters, no conflicts (2 of 4 stars). 9 submissions from 8 submitters: Benign (9). Last evaluated 2026-02-04.

Conditions:
Tyrosinemia type III. Also called: 4-HYDROXYPHENYLPYRUVIC ACID OXIDASE DEFICIENCY; Tyrosinemia type 3; 4-alpha hydroxyphenylpyruvic acid oxidase deficiency; 4-alpha hydroxyphenylpyruvate dioxygenase deficiency; 4-Hydroxyphenylpyruvate dioxygenase deficiency. Identifiers: Orphanet 69723, MedGen C0268623, MONDO:0010162, OMIM 276710.
Hawkinsinuria. Identifiers: Orphanet 2118, MedGen C2931042, MONDO:0007700, OMIM 140350, HP:0034457.

Allele frequency attached by ClinVar (database versions not stated): gnomAD exomes 0.84500 and 0.86433; ExAC 0.85022; 1000 Genomes Project 0.87640; 1000 Genomes Project 30x 0.87680; gnomAD 0.87946 and 0.88222; TOPMed 0.88589.
gnomAD v4.1: 1,392,067 of 1,607,144 alleles (87%); highest among the groups gnomAD compares: African/African-American, 96%; 604,622 homozygotes.

Submissions (9):

Labcorp Genetics (formerly Invitae), Labcorp
Classification: Benign for Tyrosinemia type III; Hawkinsinuria. Last evaluated: 2026-02-04. Review status: criteria provided, single submitter. Criteria: Invitae Variant Classification Sherloc (09022015). Collection method: clinical testing. Allele origin: germline.

Mayo Clinic Laboratories, Mayo Clinic
Classification: Benign. Last evaluated: 2025-11-21. Review status: criteria provided, single submitter. Criteria: ACMG Guidelines, 2015. Collection method: clinical testing. Allele origin: germline. Observed: 36 variant alleles.
Comment: BA1, BS2, BP4

Blueprint Genetics
Classification: Benign. Last evaluated: 2024-11-27. Review status: criteria provided, single submitter. Criteria: ACMG Guidelines, 2015. Collection method: clinical testing. Allele origin: germline.

Fulgent Genetics
Classification: Benign for Hawkinsinuria; Tyrosinemia type III. Last evaluated: 2021-12-23. Review status: criteria provided, single submitter. Criteria: ACMG Guidelines, 2015. Collection method: clinical testing. Allele origin: unknown.

Women's Health and Genetics/Laboratory Corporation of America, LabCorp
Classification: Benign. Last evaluated: 2021-12-03. Review status: criteria provided, single submitter. Criteria: LabCorp Variant Classification Summary - May 2015. Collection method: clinical testing. Allele origin: germline.

Genome-Nilou Lab
Classification: Benign for Hawkinsinuria. Last evaluated: 2021-08-10. Review status: criteria provided, single submitter. Criteria: ACMG Guidelines, 2015. Collection method: clinical testing. Allele origin: germline. Affected: no.

Genome-Nilou Lab
Classification: Benign for Tyrosinemia type III. Last evaluated: 2021-08-10. Review status: criteria provided, single submitter. Criteria: ACMG Guidelines, 2015. Collection method: clinical testing. Allele origin: germline. Affected: no.

Mendelics
Classification: Benign for Hawkinsinuria. Last evaluated: 2019-05-28. Review status: criteria provided, single submitter. Criteria: Mendelics Assertion Criteria 2017. Collection method: clinical testing. Allele origin: unknown.

Breakthrough Genomics
Classification: Benign. Review status: criteria provided, single submitter. Criteria: ACMG Guidelines, 2015. Collection method: not provided. Allele origin: germline. Inheritance: Autosomal recessive inheritance. Affected: yes.